The following is an entry in ClinVar:

ClinVar aggregate classification (germline): Likely benign (1 of 4 stars; one submission).

Submission:

CeGaT Center for Human Genetics Tuebingen
Classification: Likely benign. Last evaluated: 2022-04-01. Review status: criteria provided, single submitter. Criteria: CeGaT Center For Human Genetics Tuebingen Variant Classification Criteria Version 2. Collection method: clinical testing. Allele origin: germline. Affected: yes. Observed: 1 variant allele.
Comment: HIVEP1: PM2:Supporting, BP4, BP7

NM_002114.4(HIVEP1):c.15A>G (p.Lys5=)

Gene: HIVEP1 (HIVEP zinc finger 1; plus strand). Cytogenetic location: 6p24.1.
Variant type: single nucleotide variant.
Coding change: c.15A>G on transcript NM_002114.4 (MANE Select); coding-DNA position 15, A replaced by G.
Protein change: p.Lys5=; no amino-acid change (lysine 5 retained).
Molecular consequence: synonymous variant.
Genome position (GRCh38, 1-based): chr6:12,015,643, A>G. VCF-style: chr6-12015643-A-G. GRCh37 (hg19) VCF-style: chr6-12015876-A-G.
Identifiers: ClinVar variation 2656227 (VCV002656227.24), dbSNP rs2480571714, ClinGen allele CA448423425.